The following is an entry in ClinVar:

NM_024753.5(TTC21B):c.3799G>A (p.Ala1267Thr)

Gene: TTC21B (tetratricopeptide repeat domain 21B; minus strand). Cytogenetic location: 2q24.3.
Variant type: single nucleotide variant.
Coding change: c.3799G>A on transcript NM_024753.5 (MANE Select); coding-DNA position 3799, G replaced by A.
Protein change: p.Ala1267Thr; replaces alanine 1267 with threonine.
Molecular consequence: missense variant.
Genome position (GRCh38, 1-based): chr2:165,880,685, C>T on the plus strand (G>A on the coding strand, the complement: TTC21B is on the minus strand). VCF-style: chr2-165880685-C-T. GRCh37 (hg19) VCF-style: chr2-166737195-C-T.
Other names: short protein forms A1267T.
Identifiers: ClinVar variation 3584589 (VCV003584589.2).

ClinVar aggregate classification (germline): Uncertain significance. Review status: criteria provided, multiple submitters, no conflicts (2 of 4 stars). 2 submissions from 2 submitters: Uncertain significance (2). Last evaluated 2025-01-31.

Conditions:
Nephronophthisis. Also called: Juvenile Nephronophthisis. Identifiers: Orphanet 655, MedGen C0687120, MONDO:0019005, HP:0000090.
Jeune thoracic dystrophy. Also called: Jeune syndrome; Infantile thoracic dystrophy; Thoracic pelvic phalangeal dystrophy; Jeune's syndrome; Chondroectodermal dysplasia-like syndrome; Short-rib thoracic dysplasia. Identifiers: Orphanet 474, MedGen C0265275, MONDO:0018770.
Asphyxiating thoracic dystrophy 4 (SRTD4). Also called: SHORT-RIB THORACIC DYSPLASIA 4 WITH OR WITHOUT POLYDACTYLY; SHORT-RIB THORACIC DYSPLASIA 4. Identifiers: Orphanet 474, MedGen C3151185, MONDO:0013441, OMIM 613819.
Nephronophthisis 12 (NPHP12). Identifiers: Orphanet 655, MedGen C3151186, MONDO:0013442, OMIM 613820.

gnomAD v4.1: 4 of 1,613,350 alleles (0.00025%); highest among the groups gnomAD compares: Non-Finnish European, 0.00034%; no homozygotes.

Submissions (2):

Labcorp Genetics (formerly Invitae), Labcorp
Classification: Uncertain significance for Jeune thoracic dystrophy; Nephronophthisis. Last evaluated: 2025-01-31. Review status: criteria provided, single submitter. Criteria: Invitae Variant Classification Sherloc (09022015). Collection method: clinical testing. Allele origin: germline.
Comment: This sequence change replaces alanine, which is neutral and non-polar, with threonine, which is neutral and polar, at codon 1267 of the TTC21B protein (p.Ala1267Thr). This variant is present in population databases (no rsID available, gnomAD 0.002%). This variant has not been reported in the literature in individuals affected with TTC21B-related conditions. Invitae Evidence Modeling of protein sequence and biophysical properties (such as structural, functional, and spatial information, amino acid conservation, physicochemical variation, residue mobility, and thermodynamic stability) indicates that this missense variant is not expected to disrupt TTC21B protein function with a negative predictive value of 95%. In summary, the available evidence is currently insufficient to determine the role of this variant in disease. Therefore, it has been classified as a Variant of Uncertain Significance.

Fulgent Genetics
Classification: Uncertain significance for Asphyxiating thoracic dystrophy 4; Nephronophthisis 12. Last evaluated: 2024-01-31. Review status: criteria provided, single submitter. Criteria: ACMG Guidelines, 2015. Collection method: clinical testing. Allele origin: germline.